The following is an entry in ClinVar:

ClinVar aggregate classification (germline): Uncertain significance. Review status: criteria provided, multiple submitters, no conflicts (2 of 4 stars). 2 submissions from 2 submitters: Uncertain significance (2). Last evaluated 2022-10-31.

Submissions (2):

Blueprint Genetics
Classification: Uncertain significance. Last evaluated: 2022-10-31. Review status: criteria provided, single submitter. Criteria: ACMG Guidelines, 2015. Collection method: clinical testing. Allele origin: germline.

Labcorp Genetics (formerly Invitae), Labcorp
Classification: Uncertain significance. Last evaluated: 2022-03-13. Review status: criteria provided, single submitter. Criteria: Invitae Variant Classification Sherloc (09022015). Collection method: clinical testing. Allele origin: germline.
Comment: This sequence change replaces serine, which is neutral and polar, with cysteine, which is neutral and slightly polar, at codon 528 of the KMT2A protein (p.Ser528Cys). This variant is not present in population databases (gnomAD no frequency). In summary, the available evidence is currently insufficient to determine the role of this variant in disease. Therefore, it has been classified as a Variant of Uncertain Significance. Advanced modeling of protein sequence and biophysical properties (such as structural, functional, and spatial information, amino acid conservation, physicochemical variation, residue mobility, and thermodynamic stability) performed at Invitae indicates that this missense variant is not expected to disrupt KMT2A protein function. This variant has not been reported in the literature in individuals affected with KMT2A-related conditions.

NM_001197104.2(KMT2A):c.1582A>T (p.Ser528Cys)

Gene: KMT2A (lysine methyltransferase 2A; plus strand). Cytogenetic location: 11q23.3.
Variant type: single nucleotide variant.
Coding change: c.1582A>T on transcript NM_001197104.2 (MANE Select); coding-DNA position 1582, A replaced by T.
Protein change: p.Ser528Cys; replaces serine 528 with cysteine.
Molecular consequence: missense variant.
Genome position (GRCh38, 1-based): chr11:118,472,741, A>T. VCF-style: chr11-118472741-A-T. GRCh37 (hg19) VCF-style: chr11-118343456-A-T.
Other names: c.1681A>T, p.Ser561Cys (NM_001412597.1); c.1582A>T, p.Ser528Cys (NM_005933.4); short protein forms S528C, S561C.
Identifiers: ClinVar variation 2110738 (VCV002110738.5), dbSNP rs2496801246, ClinGen allele CA382810420.